The following is an entry in ClinVar:

ClinVar aggregate classification (germline): Likely pathogenic (1 of 4 stars; one submission).

Submission:

ARUP Laboratories, Molecular Genetics and Genomics, ARUP Laboratories
Classification: Likely pathogenic. Last evaluated: 2023-11-22. Review status: criteria provided, single submitter. Criteria: ARUP Molecular Germline Variant Investigation Process 2024. Collection method: clinical testing. Allele origin: germline.
Comment: The NOD2 c.1001G>T; p.Arg334Leu variant is reported in the literature in an individual with Blau syndrome (Li 2017). This variant is absent from the Genome Aggregation Database (v2.1.1), indicating it is not a common polymorphism. Computational analyses predict that this variant is deleterious (REVEL: 0.772). Additionally, other variants at this codon (c.1001G>A, p.Arg334Gln; c.1000C>T, p.Arg334Trp) have been reported in individuals with Blau syndrome and are considered pathogenic (Li 2017, Miceli-Richard 2001, Zhong 2022). Based on available information, the p.Arg334Leu variant is considered to be likely pathogenic. References: Li C et al. Gene mutations and clinical phenotypes in Chinese children with Blau syndrome. Sci China Life Sci. 2017 Jul;60(7):758-762. PMID: 28639104. Miceli-Richard C et al. CARD15 mutations in Blau syndrome. Nat Genet. 2001 Sep;29(1):19-20. PMID: 11528384. Zhong Z et al. Genetic and Clinical Features of Blau Syndrome among Chinese Patients with Uveitis. Ophthalmology. 2022 Jul;129(7):821-828. PMID: 35314268.

NM_001370466.1(NOD2):c.920G>T (p.Arg307Leu)

Gene: NOD2 (nucleotide binding oligomerization domain containing 2; plus strand). Cytogenetic location: 16q12.1.
Variant type: single nucleotide variant.
Coding change: c.920G>T on transcript NM_001370466.1 (MANE Select); coding-DNA position 920, G replaced by T.
Protein change: p.Arg307Leu; replaces arginine 307 with leucine.
Molecular consequence: missense variant. On other transcripts: non-coding transcript variant (1).
Genome position (GRCh38, 1-based): chr16:50,710,912, G>T. VCF-style: chr16-50710912-G-T. GRCh37 (hg19) VCF-style: chr16-50744823-G-T.
Other names: c.920G>T, p.Arg307Leu (NM_001293557.2); c.1001G>T, p.Arg334Leu (NM_022162.3); short protein forms R334L, R307L.
Identifiers: ClinVar variation 2921258 (VCV002921258.1), dbSNP rs104895461, ClinGen allele CA395868022.